The following is an entry in ClinVar:

ClinVar aggregate classification (germline): Benign. Review status: criteria provided, multiple submitters, no conflicts (2 of 4 stars). 2 submissions from 2 submitters: Benign (2). Last evaluated 2018-01-13.

Conditions:
Aromatase deficiency. Also called: Increased aromatase activity; PSEUDOHERMAPHRODITISM, FEMALE, DUE TO PLACENTAL AROMATASE DEFICIENCY. Identifiers: Orphanet 91, MedGen C1960539, MONDO:0013301, OMIM 613546.

Allele frequency attached by ClinVar (database versions not stated): gnomAD 0.03651 and 0.03938; 1000 Genomes Project 0.03854; 1000 Genomes Project 30x 0.04107; TOPMed 0.04180.

Submissions (2):

Illumina Laboratory Services, Illumina
Classification: Benign for Aromatase deficiency. Last evaluated: 2018-01-13. Review status: criteria provided, single submitter. Criteria: ICSL Variant Classification Criteria 13 December 2019. Collection method: clinical testing. Allele origin: germline.
Comment: This variant was observed in the ICSL laboratory as part of a predisposition screen in an ostensibly healthy population. It had not been previously curated by ICSL or reported in the Human Gene Mutation Database (HGMD: prior to June 1st, 2018), and was therefore a candidate for classification through an automated scoring system. Utilizing variant allele frequency, disease prevalence and penetrance estimates, and inheritance mode, an automated score was calculated to assess if this variant is too frequent to cause the disease. Based on the score and internal cut-off values, a variant classified as benign is not then subjected to further curation. The score for this variant resulted in a classification of benign for this disease.

Breakthrough Genomics
Classification: Benign. Review status: criteria provided, single submitter. Criteria: ACMG Guidelines, 2015. Collection method: not provided. Allele origin: germline. Inheritance: Unknown mechanism. Affected: yes.

NM_000103.4(CYP19A1):c.-39+14659C>A

Gene: CYP19A1 (cytochrome P450 family 19 subfamily A member 1; minus strand). Cytogenetic location: 15q21.2.
Variant type: single nucleotide variant.
Coding change: c.-39+14659C>A on transcript NM_000103.4 (MANE Select); 14659 bases into the intron after 39 bases upstream of the start codon, C replaced by A.
Molecular consequence: intron variant. On other transcripts: 5 prime UTR variant (2).
Genome position (GRCh38, 1-based): chr15:51,323,836, G>T on the plus strand (C>A on the coding strand, the complement: CYP19A1 is on the minus strand). VCF-style: chr15-51323836-G-T. GRCh37 (hg19) VCF-style: chr15-51616033-G-T.
Other names: c.-59C>A (NM_001347248.1, NM_031226.3).
Identifiers: ClinVar variation 316481 (VCV000316481.6), dbSNP rs28757082, ClinGen allele CA10636191.